The following is an entry in ClinVar:

ClinVar aggregate classification (germline): Pathogenic (1 of 4 stars; one submission).

Conditions:
Hermansky-Pudlak syndrome 3 (HPS3). Identifiers: Orphanet 231512, Orphanet 79430, MedGen C3888001, MONDO:0013555, OMIM 614072.

Submission:

Myriad Genetics, Inc.
Classification: Pathogenic for Hermansky-Pudlak syndrome 3. Last evaluated: 2024-05-14. Review status: criteria provided, single submitter. Criteria: Myriad Autosomal Dominant, Autosomal Recessive and X-Linked Classification Criteria (2023). Collection method: clinical testing. Allele origin: unknown.
Comment: NM_032383.3(HPS3):c.2507T>A(L836*) is expected to be pathogenic in the context of Hermansky-Pudlak syndrome, HPS3-related. This variant is predicted to lead to an abnormal or absent protein product due to the creation of a premature termination codon in HPS3, a gene where loss-of-function variants are known to be pathogenic. Please note: this variant was assessed in the context of healthy population screening.

NM_032383.5(HPS3):c.2507T>A (p.Leu836Ter)

Genes: CP (ceruloplasmin; minus strand), HPS3 (HPS3 biogenesis of lysosomal organelles complex 2 subunit 1; plus strand). Cytogenetic location: 3q24.
Variant type: single nucleotide variant.
Coding change: c.2507T>A on transcript NM_032383.5 (MANE Select); coding-DNA position 2507, T replaced by A.
Protein change: p.Leu836Ter; replaces leucine 836 with a stop codon.
Molecular consequence: nonsense.
Genome position (GRCh38, 1-based): chr3:149,163,867, T>A. VCF-style: chr3-149163867-T-A. GRCh37 (hg19) VCF-style: chr3-148881654-T-A.
Other names: c.2012T>A, p.Leu671Ter (NM_001308258.2); short protein forms L671*, L836*.
Identifiers: ClinVar variation 5015509 (VCV005015509.1).